The following is an entry in ClinVar:

NM_170606.3(KMT2C):c.8919G>T (p.Val2973=)

Gene: KMT2C (lysine methyltransferase 2C; minus strand). Cytogenetic location: 7q36.1.
Variant type: single nucleotide variant.
Coding change: c.8919G>T on transcript NM_170606.3 (MANE Select); coding-DNA position 8919, G replaced by T.
Protein change: p.Val2973=; no amino-acid change (valine 2973 retained).
Molecular consequence: synonymous variant.
Genome position (GRCh38, 1-based): chr7:152,176,534, C>A on the plus strand (G>T on the coding strand, the complement: KMT2C is on the minus strand). VCF-style: chr7-152176534-C-A. GRCh37 (hg19) VCF-style: chr7-151873619-C-A.
Identifiers: ClinVar variation 3251469 (VCV003251469.1), dbSNP rs780725159.

ClinVar aggregate classification (germline): Likely benign (1 of 4 stars; one submission).

gnomAD v4.1: 1 of 1,613,998 alleles (0.000062%); highest among the groups gnomAD compares: Admixed American, 0.0017%; no homozygotes.

Submission:

Women's Health and Genetics/Laboratory Corporation of America, LabCorp
Classification: Likely benign. Last evaluated: 2024-04-29. Review status: criteria provided, single submitter. Criteria: LabCorp Variant Classification Summary - May 2015. Collection method: clinical testing. Allele origin: germline.
Comment: Variant summary: KMT2C c.8919G>T alters a non-conserved nucleotide resulting in a synonymous change. Consensus agreement among computation tools predict no significant impact on normal splicing. However, these predictions have yet to be confirmed by functional studies. The variant was absent in 251236 control chromosomes. The available data on variant occurrences in the general population are insufficient to allow any conclusion about variant significance. To our knowledge, no occurrence of c.8919G>T in individuals affected with Kleefstra Syndrome 2 and no experimental evidence demonstrating its impact on protein function have been reported. No submitters have cited clinical-significance assessments for this variant to ClinVar. Based on the evidence outlined above, the variant was classified as likely benign.